The following is an entry in ClinVar:

ClinVar aggregate classification (germline): Uncertain significance (1 of 4 stars; one submission).

Conditions:
NKX2-5-related disorder. Also called: NKX2-5-related condition.

Submission:

PreventionGenetics, part of Exact Sciences
Classification: Uncertain significance for NKX2-5-related condition. Last evaluated: 2025-07-11. Review status: criteria provided, single submitter. Criteria: ACMG Guidelines, 2015. Collection method: clinical testing. Allele origin: germline.
Comment: The NKX2-5 c.335-1G>T variant is predicted to disrupt the AG splice acceptor site and interfere with normal splicing. This variant corresponds to a deep intronic position in an alternate transcript for this gene (NM_004387:c.335-293G>T). To our knowledge this variant has not been reported in literature. This variant is reported in 0.019% of alleles in individuals of Latino descent in gnomAD. At this time, the clinical significance of this variant is uncertain due to the absence of conclusive functional and genetic evidence.

NM_004387.4(NKX2-5):c.335-293G>T

Gene: NKX2-5 (NK2 homeobox 5; minus strand). Cytogenetic location: 5q35.1.
Variant type: single nucleotide variant.
Coding change: c.335-293G>T on transcript NM_004387.4 (MANE Select); 293 bases into the intron before coding-DNA position 335, G replaced by T.
Molecular consequence: intron variant. On other transcripts: splice acceptor variant (1).
Genome position (GRCh38, 1-based): chr5:173,233,502, C>A on the plus strand (G>T on the coding strand, the complement: NKX2-5 is on the minus strand). VCF-style: chr5-173233502-C-A. GRCh37 (hg19) VCF-style: chr5-172660505-C-A.
Other names: c.335-38G>T (NM_001166176.2); c.335-1G>T (NM_001166175.2).
Identifiers: ClinVar variation 4983430 (VCV004983430.1).